The following is an entry in ClinVar:

ClinVar aggregate classification (germline): Uncertain significance (1 of 4 stars; one submission).

Submission:

Labcorp Genetics (formerly Invitae), Labcorp
Classification: Uncertain significance. Last evaluated: 2022-08-16. Review status: criteria provided, single submitter. Criteria: Invitae Variant Classification Sherloc (09022015). Collection method: clinical testing. Allele origin: germline.
Comment: In summary, the available evidence is currently insufficient to determine the role of this variant in disease. Therefore, it has been classified as a Variant of Uncertain Significance. Algorithms developed to predict the effect of missense changes on protein structure and function (SIFT, PolyPhen-2, Align-GVGD) all suggest that this variant is likely to be disruptive. This variant has not been reported in the literature in individuals affected with NEXMIF-related conditions. This variant is not present in population databases (gnomAD no frequency). This sequence change replaces lysine, which is basic and polar, with glutamic acid, which is acidic and polar, at codon 530 of the NEXMIF protein (p.Lys530Glu).

NM_001008537.3(NEXMIF):c.1588A>G (p.Lys530Glu)

Gene: NEXMIF (neurite extension and migration factor; minus strand). Cytogenetic location: Xq13.3.
Variant type: single nucleotide variant.
Coding change: c.1588A>G on transcript NM_001008537.3 (MANE Select); coding-DNA position 1588, A replaced by G.
Protein change: p.Lys530Glu; replaces lysine 530 with glutamic acid.
Molecular consequence: missense variant.
Genome position (GRCh38, 1-based): chrX:74,742,969, T>C on the plus strand (A>G on the coding strand, the complement: NEXMIF is on the minus strand). VCF-style: chrX-74742969-T-C. GRCh37 (hg19) VCF-style: chrX-73962804-T-C.
Other names: short protein forms K530E.
Identifiers: ClinVar variation 2106898 (VCV002106898.4), dbSNP rs2080112480, ClinGen allele CA413670154.